The following is an entry in ClinVar:

NM_000135.4(FANCA):c.2223-14G>A

Gene: FANCA (FA complementation group A; minus strand). Cytogenetic location: 16q24.3.
Variant type: single nucleotide variant.
Coding change: c.2223-14G>A on transcript NM_000135.4 (MANE Select); 14 bases into the intron before coding-DNA position 2223, G replaced by A.
Molecular consequence: intron variant.
Genome position (GRCh38, 1-based): chr16:89,770,273, C>T on the plus strand (G>A on the coding strand, the complement: FANCA is on the minus strand). VCF-style: chr16-89770273-C-T. GRCh37 (hg19) VCF-style: chr16-89836681-C-T.
Other names: c.2223-14G>A (NM_001286167.3).
Identifiers: ClinVar variation 3719050 (VCV003719050.1).

ClinVar aggregate classification (germline): Uncertain significance (1 of 4 stars; one submission).

Conditions:
Fanconi anemia (FA). Also called: Fanconi's anemia. Identifiers: Orphanet 84, MedGen C0015625, MeSH D005199, MONDO:0019391.

gnomAD v4.1: 17 of 1,561,628 alleles (0.0011%); highest among the groups gnomAD compares: South Asian, 0.0071%; no homozygotes.

Submission:

Labcorp Genetics (formerly Invitae), Labcorp
Classification: Uncertain significance for Fanconi anemia. Last evaluated: 2024-08-13. Review status: criteria provided, single submitter. Criteria: Invitae Variant Classification Sherloc (09022015). Collection method: clinical testing. Allele origin: germline.
Comment: This sequence change falls in intron 24 of the FANCA gene. It does not directly change the encoded amino acid sequence of the FANCA protein. This variant is present in population databases (rs767469162, gnomAD 0.01%). This variant has not been reported in the literature in individuals affected with FANCA-related conditions. Algorithms developed to predict the effect of sequence changes on RNA splicing suggest that this variant may disrupt the consensus splice site. In summary, the available evidence is currently insufficient to determine the role of this variant in disease. Therefore, it has been classified as a Variant of Uncertain Significance.